The following is an entry in ClinVar:

ClinVar aggregate classification (germline): Pathogenic. Review status: criteria provided, single submitter (1 of 4 stars). 2 submissions from 2 submitters: Pathogenic (1). 1 of the submissions does not count toward it. Last evaluated 2025-03-18.

Conditions:
SPTB-related disorder. Also called: SPTB-related condition; SPTB-Related Disorders.

Submissions (2):

Labcorp Genetics (formerly Invitae), Labcorp
Classification: Pathogenic. Last evaluated: 2025-03-18. Review status: criteria provided, single submitter. Criteria: Invitae Variant Classification Sherloc (09022015). Collection method: clinical testing. Allele origin: germline.
Comment: This sequence change creates a premature translational stop signal (p.Leu530Glyfs*18) in the SPTB gene. It is expected to result in an absent or disrupted protein product. Loss-of-function variants in SPTB are known to be pathogenic (PMID: 1391962, 1498324, 8844207, 26830532, 27292444). This variant is not present in population databases (gnomAD no frequency). This variant has not been reported in the literature in individuals affected with SPTB-related conditions. ClinVar contains an entry for this variant (Variation ID: 3347901). For these reasons, this variant has been classified as Pathogenic.

PreventionGenetics, part of Exact Sciences
Classification: Pathogenic for SPTB-related condition. Last evaluated: 2024-07-13. Review status: no assertion criteria provided. Collection method: clinical testing. Allele origin: germline. Not counted in ClinVar's aggregate classification.
Comment: The SPTB c.1583_1586dupTGGC variant is predicted to result in a frameshift and premature protein termination (p.Leu530Glyfs*18). To our knowledge, this variant has not been reported in the literature or in a large population database, indicating this variant is rare. Frameshift variants in SPTB are expected to be pathogenic. This variant is interpreted as pathogenic.

Literature cited by the submitters: PubMed 1391962 (cited by Labcorp Genetics (formerly Invitae), Labcorp); PubMed 1498324 (cited by Labcorp Genetics (formerly Invitae), Labcorp); PubMed 8844207 (cited by Labcorp Genetics (formerly Invitae), Labcorp); PubMed 26830532 (cited by Labcorp Genetics (formerly Invitae), Labcorp); PubMed 27292444 (cited by Labcorp Genetics (formerly Invitae), Labcorp).

NM_001355436.2(SPTB):c.1583_1586dup (p.Leu530fs)

Gene: SPTB (spectrin beta, erythrocytic; minus strand). Cytogenetic location: 14q23.3.
Variant type: Duplication.
Coding change: c.1583_1586dup on transcript NM_001355436.2 (MANE Select); coding-DNA positions 1583 to 1586, 4 bases duplicated (TGGC; older notation c.1583_1586dupTGGC).
Protein change: p.Leu530fs; shifts the reading frame from leucine 530.
Molecular consequence: frameshift variant.
Genome position (GRCh38, 1-based): chr14:64,795,395-64,795,398, GCCA duplicated on the plus strand (TGGC on the coding strand, the reverse complement: SPTB is on the minus strand); duplicating any 4 consecutive bases within chr14:64,795,395-64,795,399 gives the same sequence; the c. name uses the placement nearest the transcript's 3' end. VCF-style (leftmost placement, unchanged base first): chr14-64795394-T-TGCCA. GRCh37 (hg19) VCF-style: chr14-65262112-T-TGCCA.
Other names: c.1583_1586dup, p.Leu530fs (NM_001024858.4, NM_001355437.2); short protein forms L530fs.
Identifiers: ClinVar variation 3347901 (VCV003347901.2).